The following is an entry in ClinVar:

NM_001723.7(DST):c.7031C>T (p.Thr2344Ile)

Gene: DST (dystonin; minus strand). Cytogenetic location: 6p12.1.
Variant type: single nucleotide variant.
Coding change: c.7031C>T on transcript NM_001723.7 (MANE Plus Clinical); coding-DNA position 7031, C replaced by T.
Protein change: p.Thr2344Ile; replaces threonine 2344 with isoleucine.
Molecular consequence: missense variant. On other transcripts: intron variant (10).
Genome position (GRCh38, 1-based): chr6:56,616,436, G>A on the plus strand (C>T on the coding strand, the complement: DST is on the minus strand). VCF-style: chr6-56616436-G-A. GRCh37 (hg19) VCF-style: chr6-56481234-G-A.
Other names: c.4831-1952C>T (NM_001144769.5); c.4930-1952C>T (NM_001374722.1, NM_001374736.1); c.4957-1952C>T (NM_001374734.1); c.4417-1952C>T (NM_001144770.2); c.4297-1952C>T (NM_001374730.1, NM_001386100.1, NM_183380.4 and 1 more transcripts); c.3319-1952C>T (NM_015548.5); short protein forms T2344I.
Identifiers: ClinVar variation 1434787 (VCV001434787.9), dbSNP rs1216069643, ClinGen allele CA364563877.

ClinVar aggregate classification (germline): Uncertain significance (1 of 4 stars; one submission).

Conditions:
Hereditary sensory and autonomic neuropathy type 6. Also called: HSAN VI; Neuropathy, hereditary sensory and autonomic, type VI. Identifiers: Orphanet 314381, MedGen C3539003, MONDO:0013839, OMIM 614653.
Epidermolysis bullosa simplex 3, localized or generalized intermediate, with BP230 deficiency (EBS3). Also called: Epidermolysis bullosa simplex, autosomal recessive 2; Epidermolysis bullosa simplex due to BP230 deficiency. Identifiers: Orphanet 412181, MedGen C3809470, MONDO:0014180, OMIM 615425.

Allele frequency attached by ClinVar (database versions not stated): gnomAD exomes below 0.00001; gnomAD 0.00001; TOPMed 0.00001.
gnomAD v4.1: 2 of 1,613,898 alleles (0.00012%); highest among the groups gnomAD compares: Non-Finnish European, 0.00017%; no homozygotes.

Submission:

Labcorp Genetics (formerly Invitae), Labcorp
Classification: Uncertain significance for Epidermolysis bullosa simplex 3, localized or generalized intermediate, with BP230 deficiency; Hereditary sensory and autonomic neuropathy type 6. Last evaluated: 2022-01-23. Review status: criteria provided, single submitter. Criteria: Invitae Variant Classification Sherloc (09022015). Collection method: clinical testing. Allele origin: germline.
Comment: In summary, the available evidence is currently insufficient to determine the role of this variant in disease. Therefore, it has been classified as a Variant of Uncertain Significance. Algorithms developed to predict the effect of missense changes on protein structure and function are either unavailable or do not agree on the potential impact of this missense change (SIFT: "Deleterious"; PolyPhen-2: "Benign"; Align-GVGD: "Class C15"). This variant has not been reported in the literature in individuals affected with DST-related conditions. This variant is not present in population databases (gnomAD no frequency). This sequence change replaces threonine, which is neutral and polar, with isoleucine, which is neutral and non-polar, at codon 2344 of the DST protein (p.Thr2344Ile).